The following is an entry in ClinVar:

ClinVar aggregate classification (germline): Conflicting classifications of pathogenicity. Review status: criteria provided, conflicting classifications (1 of 4 stars). 4 submissions from 4 submitters: Likely pathogenic (1); Uncertain significance (3). Last evaluated 2026-04-05.

Conditions:
Autosomal recessive limb-girdle muscular dystrophy type 2A (LGMDR1). Also called: LEYDEN-MOEBIUS MUSCULAR DYSTROPHY; MUSCULAR DYSTROPHY, PELVOFEMORAL; Limb-girdle muscular dystrophy, type 2A; Calpainopathy; Muscular dystrophy, limb-girdle, type 2A, Amish. Identifiers: Orphanet 267, MedGen C1869123, MONDO:0009675, OMIM 253600. Disease mechanism: loss of function.
Abnormality of the musculature. Identifiers: MedGen C4021745, HP:0003011.

Submissions (4):

GeneDx
Classification: Uncertain significance. Last evaluated: 2026-04-05. Review status: criteria provided, single submitter. Criteria: GeneDx Variant Classification Process June 2021. Collection method: clinical testing. Allele origin: germline.
Comment: Not observed at significant frequency in large population cohorts (gnomAD); In silico analysis supports that this missense variant has a deleterious effect on protein structure/function; This variant is associated with the following publications: (PMID: 41315541, Koken_2022[Poster], 38374194, 35169782)

Neuberg Centre For Genomic Medicine, NCGM
Classification: Uncertain significance for Autosomal recessive limb-girdle muscular dystrophy type 2A. Last evaluated: 2023-02-14. Review status: criteria provided, single submitter. Criteria: ACMG Guidelines, 2015. Collection method: clinical testing. Allele origin: germline. Inheritance: Autosomal recessive inheritance. Affected: yes.
Comment: The missense c.1502C>T (p.Thr501Ile) variant in CAPN3 gene has been reported in homozygous state in individuals affected with Muscular dystrophy, limb-girdle (Ö. Yayıcı Köken et al. 2022). The p.Thr501Ile variant is novel (not in any individuals) in gnomAD Exomes and 1000 Genomes. This variant has been reported to the ClinVar database as Uncertain significance / Likely pathogenic. The amino acid change p.Thr501Ile in CAPN3 is predicted as conserved by GERP++ and PhyloP across 100 vertebrates. The amino acid Thr at position 501 is changed to a Ile changing protein sequence and it might alter its composition and physico-chemical properties. Functional studies are required to prove the pathogenicity for the variant, for these reasons, this variant has been classified as Variant of Uncertain Significance (VUS).

Labcorp Genetics (formerly Invitae), Labcorp
Classification: Uncertain significance for Autosomal recessive limb-girdle muscular dystrophy type 2A. Last evaluated: 2021-10-24. Review status: criteria provided, single submitter. Criteria: Invitae Variant Classification Sherloc (09022015). Collection method: clinical testing. Allele origin: germline.
Comment: This sequence change replaces threonine with isoleucine at codon 501 of the CAPN3 protein (p.Thr501Ile). The threonine residue is highly conserved and there is a moderate physicochemical difference between threonine and isoleucine. This variant is not present in population databases (ExAC no frequency). This variant has not been reported in the literature in individuals with CAPN3-related conditions. Algorithms developed to predict the effect of missense changes on protein structure and function are either unavailable or do not agree on the potential impact of this missense change (SIFT: "Deleterious"; PolyPhen-2: "Probably Damaging"; Align-GVGD: "Class C0"). In summary, the available evidence is currently insufficient to determine the role of this variant in disease. Therefore, it has been classified as a Variant of Uncertain Significance.

Kariminejad - Najmabadi Pathology & Genetics Center
Classification: Likely pathogenic for Abnormality of the musculature. Last evaluated: 2021-07-10. Review status: criteria provided, single submitter. Criteria: ACMG Guidelines, 2015. Collection method: clinical testing. Allele origin: germline. Affected: yes.

NM_000070.3(CAPN3):c.1502C>T (p.Thr501Ile)

Gene: CAPN3 (calpain 3; plus strand). Cytogenetic location: 15q15.1.
Variant type: single nucleotide variant.
Coding change: c.1502C>T on transcript NM_000070.3 (MANE Select); coding-DNA position 1502, C replaced by T.
Protein change: p.Thr501Ile; replaces threonine 501 with isoleucine.
Molecular consequence: missense variant.
Genome position (GRCh38, 1-based): chr15:42,401,788, C>T. VCF-style: chr15-42401788-C-T. GRCh37 (hg19) VCF-style: chr15-42693986-C-T.
Other names: c.1502C>T, p.Thr501Ile (NM_024344.2); c.1358C>T, p.Thr453Ile (NM_173087.2); c.1502C>T (NM_000070.2); short protein forms T453I, T501I.
Identifiers: ClinVar variation 1180653 (VCV001180653.6), dbSNP rs751104396, ClinGen allele CA391999973.
Genomic context (GRCh38, chr15:42,401,788, plus strand): 5'-TGGTGGCCCTGATGCAGAAGAACCGGCGGAAGGACCGGAAGCTAGGGGCCAGTCTCTTCA[C>T]CATTGGCTTCGCCATCTACGAGGTGTGCAGTCCTGATTGGCTCCAGCCCAGGAAACATAC-3'
Protein context (NP_000061.1, residues 491-511): KDRKLGASLF[Thr501Ile]IGFAIYEVPK